The following is an entry in ClinVar:

ClinVar aggregate classification (germline): Likely benign. Review status: criteria provided, multiple submitters, no conflicts (2 of 4 stars). 2 submissions from 2 submitters: Likely benign (2). Last evaluated 2025-10-25.

Conditions:
Autoimmune lymphoproliferative syndrome, type III caused by mutation in PRKCD. Identifiers: Orphanet 3261, Orphanet 664711, MedGen C3809928, MONDO:8000024, OMIM 615559.

Allele frequency attached by ClinVar (database versions not stated): gnomAD exomes 0.00001; ExAC 0.00003; gnomAD 0.00009; TOPMed 0.00010; ESP Exome Variant Server 0.00015; 1000 Genomes Project 0.00020; 1000 Genomes Project 30x 0.00031.
gnomAD v4.1: 35 of 1,614,148 alleles (0.0022%); highest among the groups gnomAD compares: African/African-American, 0.029%; no homozygotes.

Submissions (2):

Labcorp Genetics (formerly Invitae), Labcorp
Classification: Likely benign for Autoimmune lymphoproliferative syndrome, type III caused by mutation in PRKCD. Last evaluated: 2025-10-25. Review status: criteria provided, single submitter. Criteria: Invitae Variant Classification Sherloc (09022015). Collection method: clinical testing. Allele origin: germline.

CeGaT Center for Human Genetics Tuebingen
Classification: Likely benign. Last evaluated: 2024-01-01. Review status: criteria provided, single submitter. Criteria: CeGaT Center For Human Genetics Tuebingen Variant Classification Criteria Version 2. Collection method: clinical testing. Allele origin: germline. Affected: yes. Observed: 1 variant allele.
Comment: PRKCD: BP4, BP7

NM_006254.4(PRKCD):c.1980C>T (p.Phe660=)

Genes: PRKCD (protein kinase C delta; plus strand), LOC129936899 (ATAC-STARR-seq lymphoblastoid active region 19967; plus strand). Cytogenetic location: 3p21.1.
Variant type: single nucleotide variant.
Coding change: c.1980C>T on transcript NM_006254.4 (MANE Select); coding-DNA position 1980, C replaced by T.
Protein change: p.Phe660=; no amino-acid change (phenylalanine 660 retained).
Molecular consequence: synonymous variant.
Genome position (GRCh38, 1-based): chr3:53,192,215, C>T. VCF-style: chr3-53192215-C-T. GRCh37 (hg19) VCF-style: chr3-53226231-C-T.
Other names: c.1980C>T, p.Phe660= (NM_001316327.2, NM_001354679.2, NM_001354680.2 and 1 more transcripts); c.2037C>T, p.Phe679= (NM_001354676.2); c.2028C>T, p.Phe676= (NM_001354678.2).
Identifiers: ClinVar variation 2198679 (VCV002198679.26), dbSNP rs2230497, ClinGen allele CA2452334.